The following is an entry in ClinVar:

ClinVar aggregate classification (germline): Uncertain significance. Review status: criteria provided, multiple submitters, no conflicts (2 of 4 stars). 2 submissions from 2 submitters: Uncertain significance (2). Last evaluated 2022-10-01.

Conditions:
Neurofibromatosis, type 1 (NF1). Also called: VON RECKLINGHAUSEN DISEASE; Neurofibromatosis, type I; NEUROFIBROMATOSIS, TYPE I, SOMATIC; Peripheral type neurofibromatosis. Identifiers: Orphanet 636, MedGen C0027831, MONDO:0018975, OMIM 162200. Disease mechanism: loss of function.

Submissions (2):

Women's Health and Genetics/Laboratory Corporation of America, LabCorp
Classification: Uncertain significance. Last evaluated: 2022-10-01. Review status: criteria provided, single submitter. Criteria: LabCorp Variant Classification Summary - May 2015. Collection method: clinical testing. Allele origin: germline.
Comment: Variant summary: NF1 c.3912A>T (p.Leu1304Phe) results in a non-conservative amino acid change located in the Ras GTPase-activating domain (IPR001936) of the encoded protein sequence. Three of five in-silico tools predict a damaging effect of the variant on protein function. The variant was absent in 251422 control chromosomes (gnomAD). The available data on variant occurrences in the general population are insufficient to allow any conclusion about variant significance. To our knowledge, no occurrence of c.3912A>T in individuals affected with Neurofibromatosis Type 1 and no experimental evidence demonstrating its impact on protein function have been reported. One ClinVar submitter has assessed this variant since 2014: the variant was classified as uncertain significance. Based on the evidence outlined above, the variant was classified as uncertain significance.

Labcorp Genetics (formerly Invitae), Labcorp
Classification: Uncertain significance for Neurofibromatosis, type 1. Last evaluated: 2021-04-09. Review status: criteria provided, single submitter. Criteria: Invitae Variant Classification Sherloc (09022015). Collection method: clinical testing. Allele origin: germline.
Comment: In summary, the available evidence is currently insufficient to determine the role of this variant in disease. Therefore, it has been classified as a Variant of Uncertain Significance. Algorithms developed to predict the effect of missense changes on protein structure and function are either unavailable or do not agree on the potential impact of this missense change (SIFT: "Deleterious"; PolyPhen-2: "Probably Damaging"; Align-GVGD: "Class C0"). This variant has not been reported in the literature in individuals with NF1-related conditions. This variant is not present in population databases (ExAC no frequency). This sequence change replaces leucine with phenylalanine at codon 1304 of the NF1 protein (p.Leu1304Phe). The leucine residue is moderately conserved and there is a small physicochemical difference between leucine and phenylalanine.

NM_001042492.3(NF1):c.3912A>T (p.Leu1304Phe)

Gene: NF1 (neurofibromin 1; plus strand). Cytogenetic location: 17q11.2.
Variant type: single nucleotide variant.
Coding change: c.3912A>T on transcript NM_001042492.3 (MANE Select); coding-DNA position 3912, A replaced by T.
Protein change: p.Leu1304Phe; replaces leucine 1304 with phenylalanine.
Molecular consequence: missense variant.
Genome position (GRCh38, 1-based): chr17:31,235,959, A>T. VCF-style: chr17-31235959-A-T. GRCh37 (hg19) VCF-style: chr17-29562977-A-T.
Other names: c.3912A>T, p.Leu1304Phe (NM_000267.4); short protein forms L1304F.
Identifiers: ClinVar variation 1396027 (VCV001396027.9), dbSNP rs2151438597, ClinGen allele CA398993129.
Genomic context (GRCh38, chr17:31,235,959, plus strand): 5'-TATTCGTGCATTTCTGTAGGTATATGGTGCTACCTATCTACAAAAACTCCTGGATCCTTT[A>T]TTACGAATTGTGATCACATCCTCTGATTGGCAACATGTTAGCTTTGAAGTGGATCCTACC-3'
Protein context (NP_001035957.1, residues 1294-1314): ATYLQKLLDP[Leu1304Phe]LRIVITSSDW